The following is an entry in ClinVar:

ClinVar aggregate classification (germline): Pathogenic/Likely pathogenic. Review status: criteria provided, multiple submitters, no conflicts (2 of 4 stars). 3 submissions from 3 submitters: Pathogenic (2); Likely pathogenic (1). Last evaluated 2026-02-05.

Conditions:
MYO15A-related disorder. Also called: MYO15A-related condition.
Autosomal recessive nonsyndromic hearing loss 3. Also called: NEUROSENSORY NONSYNDROMIC RECESSIVE DEAFNESS 3. Identifiers: Orphanet 90636, MedGen C1838263, MONDO:0010860, OMIM 600316.

gnomAD v4.1: 2 of 1,613,750 alleles (0.00012%); highest among the groups gnomAD compares: East Asian, 0.0045%; no homozygotes.

Submissions (3):

Women's Health and Genetics/Laboratory Corporation of America, LabCorp
Classification: Pathogenic for Autosomal recessive nonsyndromic hearing loss 3. Last evaluated: 2026-02-05. Review status: criteria provided, single submitter. Criteria: LabCorp Variant Classification Summary - May 2015. Collection method: clinical testing. Allele origin: germline.
Comment: Variant summary: MYO15A c.8182C>G (p.Arg2728Gly) results in a non-conservative amino acid change in the encoded protein sequence. Algorithms developed to predict the effect of missense changes on protein structure and function all suggest that this variant is likely to be disruptive. The variant allele was found at a frequency of 1.6e-05 in 249094 control chromosomes. c.8182C>G has been observed in the presumed compound heterozygous state in multiple individuals affected with Autosomal Recessive Nonsyndromic Hearing Loss 3 (example, Chen_2022). These data indicate that the variant is very likely to be associated with disease. To our knowledge, no experimental evidence demonstrating an impact on protein function has been reported. The following publications have been ascertained in the context of this evaluation (PMID: 31581539, 40052343, 34325055, 39640791, 34974475). ClinVar contains an entry for this variant (Variation ID: 2972840). Based on the evidence outlined above, the variant was classified as pathogenic.

Labcorp Genetics (formerly Invitae), Labcorp
Classification: Pathogenic. Last evaluated: 2024-02-19. Review status: criteria provided, single submitter. Criteria: Invitae Variant Classification Sherloc (09022015). Collection method: clinical testing. Allele origin: germline.
Comment: This sequence change replaces arginine, which is basic and polar, with glycine, which is neutral and non-polar, at codon 2728 of the MYO15A protein (p.Arg2728Gly). This variant is present in population databases (rs758464431, gnomAD 0.02%). This missense change has been observed in individuals with deafness (PMID: 31581539, 34974475). Advanced modeling of protein sequence and biophysical properties (such as structural, functional, and spatial information, amino acid conservation, physicochemical variation, residue mobility, and thermodynamic stability) has been performed at Invitae for this missense variant, however the output from this modeling did not meet the statistical confidence thresholds required to predict the impact of this variant on MYO15A protein function. This variant disrupts the p.Arg2728 amino acid residue in MYO15A. Other variant(s) that disrupt this residue have been determined to be pathogenic (PMID: 21917145, 30622556, 31827275, 32747562, 33398081). This suggests that this residue is clinically significant, and that variants that disrupt this residue are likely to be disease-causing. For these reasons, this variant has been classified as Pathogenic.

Blueprint Genetics
Classification: Likely pathogenic for MYO15A-related disorders. Last evaluated: 2018-11-08. Review status: criteria provided, single submitter. Criteria: ACMG Guidelines, 2015. Collection method: clinical testing. Allele origin: germline. Affected: yes. Observed: 1 variant allele.

Literature cited by the submitters: PubMed 31581539 (cited by Women's Health and Genetics/Laboratory Corporation of America, LabCorp and Labcorp Genetics (formerly Invitae), Labcorp); PubMed 34974475 (cited by Women's Health and Genetics/Laboratory Corporation of America, LabCorp and Labcorp Genetics (formerly Invitae), Labcorp); PubMed 34325055 (cited by Women's Health and Genetics/Laboratory Corporation of America, LabCorp); PubMed 39640791 (cited by Women's Health and Genetics/Laboratory Corporation of America, LabCorp); PubMed 40052343 (cited by Women's Health and Genetics/Laboratory Corporation of America, LabCorp); PubMed 21917145 (cited by Labcorp Genetics (formerly Invitae), Labcorp); PubMed 30622556 (cited by Labcorp Genetics (formerly Invitae), Labcorp); PubMed 31827275 (cited by Labcorp Genetics (formerly Invitae), Labcorp); PubMed 32747562 (cited by Labcorp Genetics (formerly Invitae), Labcorp); PubMed 33398081 (cited by Labcorp Genetics (formerly Invitae), Labcorp).

NM_016239.4(MYO15A):c.8182C>G (p.Arg2728Gly)

Gene: MYO15A (myosin XVA; plus strand). Cytogenetic location: 17p11.2.
Variant type: single nucleotide variant.
Coding change: c.8182C>G on transcript NM_016239.4 (MANE Select); coding-DNA position 8182, C replaced by G.
Protein change: p.Arg2728Gly; replaces arginine 2728 with glycine.
Molecular consequence: missense variant.
Genome position (GRCh38, 1-based): chr17:18,154,713, C>G. VCF-style: chr17-18154713-C-G. GRCh37 (hg19) VCF-style: chr17-18058027-C-G.
Other names: short protein forms R2728G.
Identifiers: ClinVar variation 2972840 (VCV002972840.5), dbSNP rs758464431, ClinGen allele CA8425073.